The following is an entry in ClinVar:

NM_000143.4(FH):c.1310G>T (p.Gly437Val)

Gene: FH (fumarate hydratase; minus strand). Cytogenetic location: 1q43.
Variant type: single nucleotide variant.
Coding change: c.1310G>T on transcript NM_000143.4 (MANE Select); coding-DNA position 1310, G replaced by T.
Protein change: p.Gly437Val; replaces glycine 437 with valine.
Molecular consequence: missense variant.
Genome position (GRCh38, 1-based): chr1:241,500,517, C>A on the plus strand (G>T on the coding strand, the complement: FH is on the minus strand). VCF-style: chr1-241500517-C-A. GRCh37 (hg19) VCF-style: chr1-241663817-C-A.
Other names: short protein forms G437V.
Identifiers: ClinVar variation 5021719 (VCV005021719.1).

ClinVar aggregate classification (germline): Uncertain significance (1 of 4 stars; one submission).

Conditions:
Hereditary cancer-predisposing syndrome. Also called: Neoplastic Syndromes, Hereditary; Tumor predisposition; Hereditary neoplastic syndrome; Hereditary Cancer Syndrome. Identifiers: Orphanet 140162, MedGen C0027672, MeSH D009386, MONDO:0015356.

Submission:

Ambry Genetics
Classification: Uncertain significance for Hereditary cancer-predisposing syndrome. Last evaluated: 2026-07-06. Review status: criteria provided, single submitter. Criteria: Ambry Variant Classification Scheme 2023. Collection method: clinical testing. Allele origin: germline.
Comment: The p.G437V variant (also known as c.1310G>T), located in coding exon 9 of the FH gene, results from a G to T substitution at nucleotide position 1310. The glycine at codon 437 is replaced by valine, an amino acid with dissimilar properties. This amino acid position is conserved. In addition, this alteration is predicted to be deleterious by in silico analysis. Based on the available evidence, the clinical significance of this variant remains unclear.